The following is an entry in ClinVar:

ClinVar aggregate classification (germline): Conflicting classifications of pathogenicity. Review status: criteria provided, conflicting classifications (1 of 4 stars). 2 submissions from 2 submitters: Uncertain significance (1); Likely benign (1). Last evaluated 2022-06-13.

Conditions:
Inborn genetic diseases. Identifiers: MedGen C0950123, MeSH D030342.

Allele frequency attached by ClinVar (database versions not stated): TOPMed below 0.00001; gnomAD 0.00003 and 0.00004; gnomAD exomes 0.00006; ExAC 0.00007.

Submissions (2):

Labcorp Genetics (formerly Invitae), Labcorp
Classification: Uncertain significance. Last evaluated: 2022-06-13. Review status: criteria provided, single submitter. Criteria: Invitae Variant Classification Sherloc (09022015). Collection method: clinical testing. Allele origin: germline.
Comment: This sequence change replaces glutamic acid, which is acidic and polar, with aspartic acid, which is acidic and polar, at codon 50 of the CUL7 protein (p.Glu50Asp). This variant is present in population databases (rs769723202, gnomAD 0.07%). This variant has not been reported in the literature in individuals affected with CUL7-related conditions. Algorithms developed to predict the effect of missense changes on protein structure and function output the following: SIFT: "Tolerated"; PolyPhen-2: "Benign"; Align-GVGD: "Class C0". The aspartic acid amino acid residue is found in multiple mammalian species, which suggests that this missense change does not adversely affect protein function. In summary, the available evidence is currently insufficient to determine the role of this variant in disease. Therefore, it has been classified as a Variant of Uncertain Significance.

Ambry Genetics
Classification: Likely benign for Inborn genetic diseases. Last evaluated: 2021-07-06. Review status: criteria provided, single submitter. Criteria: Ambry Variant Classification Scheme 2023. Collection method: clinical testing. Allele origin: germline.

NM_014780.5(CUL7):c.150G>C (p.Glu50Asp)

Gene: CUL7 (cullin 7; minus strand). Cytogenetic location: 6p21.1.
Variant type: single nucleotide variant.
Coding change: c.150G>C on transcript NM_014780.5 (MANE Select); coding-DNA position 150, G replaced by C.
Protein change: p.Glu50Asp; replaces glutamic acid 50 with aspartic acid.
Molecular consequence: missense variant.
Genome position (GRCh38, 1-based): chr6:43,052,639, C>G on the plus strand (G>C on the coding strand, the complement: CUL7 is on the minus strand). VCF-style: chr6-43052639-C-G. GRCh37 (hg19) VCF-style: chr6-43020377-C-G.
Other names: c.150G>C, p.Glu50Asp (NM_001168370.2, NM_001374872.1, NM_001374873.1 and 1 more transcripts); c.150G>C (NM_014780.4); short protein forms E50D.
Identifiers: ClinVar variation 1474412 (VCV001474412.4), dbSNP rs769723202, ClinGen allele CA3814442.